The following is an entry in ClinVar:

ClinVar aggregate classification (germline): Uncertain significance (1 of 4 stars; one submission).

Conditions:
Juvenile polyposis syndrome (JPS). Identifiers: Orphanet 2929, MedGen C0345893, MONDO:0017380, OMIM 174900.

Submission:

Labcorp Genetics (formerly Invitae), Labcorp
Classification: Uncertain significance for Juvenile polyposis syndrome. Last evaluated: 2024-04-29. Review status: criteria provided, single submitter. Criteria: Invitae Variant Classification Sherloc (09022015). Collection method: clinical testing. Allele origin: germline.
Comment: This sequence change replaces alanine, which is neutral and non-polar, with proline, which is neutral and non-polar, at codon 226 of the SMAD4 protein (p.Ala226Pro). This variant is not present in population databases (gnomAD no frequency). This variant has not been reported in the literature in individuals affected with SMAD4-related conditions. ClinVar contains an entry for this variant (Variation ID: 1379416). Algorithms developed to predict the effect of missense changes on protein structure and function output the following: SIFT: "Not Available"; PolyPhen-2: "Benign"; Align-GVGD: "Not Available". The proline amino acid residue is found in multiple mammalian species, which suggests that this missense change does not adversely affect protein function. In summary, the available evidence is currently insufficient to determine the role of this variant in disease. Therefore, it has been classified as a Variant of Uncertain Significance.

NM_005359.6(SMAD4):c.676G>C (p.Ala226Pro)

Gene: SMAD4 (SMAD family member 4; plus strand). Cytogenetic location: 18q21.2.
Variant type: single nucleotide variant.
Coding change: c.676G>C on transcript NM_005359.6 (MANE Select); coding-DNA position 676, G replaced by C.
Protein change: p.Ala226Pro; replaces alanine 226 with proline.
Molecular consequence: missense variant.
Genome position (GRCh38, 1-based): chr18:51,058,133, G>C. VCF-style: chr18-51058133-G-C. GRCh37 (hg19) VCF-style: chr18-48584503-G-C.
Other names: short protein forms A226P.
Identifiers: ClinVar variation 1379416 (VCV001379416.6), dbSNP rs943293684, ClinGen allele CA402462612.
Genomic context (GRCh38, chr18:51,058,133, plus strand): 5'-CATAAGATGACATCTATGAATGTACCATGTTAATGTCTTCTTGTTCCTCTAGGTCAGCCT[G>C]CCAGTATACTGGGGGGCAGCCATAGTGAAGGACTGTTGCAGATAGCATCAGGGCCTCAGC-3'
Protein context (NP_005350.1, residues 216-236): NIPVASTSQP[Ala226Pro]SILGGSHSEG